The following is an entry in ClinVar:

ClinVar aggregate classification (germline): Uncertain significance (1 of 4 stars; one submission).

Conditions:
Hereditary cancer-predisposing syndrome. Also called: Tumor predisposition; Neoplastic Syndromes, Hereditary; Hereditary Cancer Syndrome; Hereditary neoplastic syndrome. Identifiers: Orphanet 140162, MedGen C0027672, MeSH D009386, MONDO:0015356.

Submission:

Ambry Genetics
Classification: Uncertain significance for Hereditary cancer-predisposing syndrome. Last evaluated: 2024-09-30. Review status: criteria provided, single submitter. Criteria: Ambry Variant Classification Scheme 2023. Collection method: clinical testing. Allele origin: germline.
Comment: The p.E132K variant (also known as c.394G>A), located in coding exon 3 of the EPCAM gene, results from a G to A substitution at nucleotide position 394. The glutamic acid at codon 132 is replaced by lysine, an amino acid with similar properties. This amino acid position is conserved. In addition, this alteration is predicted to be tolerated by in silico analysis. Based on the available evidence, the clinical significance of this variant remains unclear.

NM_002354.3(EPCAM):c.394G>A (p.Glu132Lys)

Gene: EPCAM (epithelial cell adhesion molecule; plus strand). Cytogenetic location: 2p21.
Variant type: single nucleotide variant.
Coding change: c.394G>A on transcript NM_002354.3 (MANE Select); coding-DNA position 394, G replaced by A.
Protein change: p.Glu132Lys; replaces glutamic acid 132 with lysine.
Molecular consequence: missense variant.
Genome position (GRCh38, 1-based): chr2:47,374,017, G>A. VCF-style: chr2-47374017-G-A. GRCh37 (hg19) VCF-style: chr2-47601156-G-A.
Other names: short protein forms E132K.
Identifiers: ClinVar variation 3509189 (VCV003509189.1).